The following is an entry in ClinVar:

NM_005618.4(DLL1):c.1952A>T (p.Asp651Val)

Genes: DLL1 (delta like canonical Notch ligand 1; minus strand), LOC126859913 (P300/CBP strongly-dependent group 1 enhancer GRCh37_chr6:170591232-170592431; plus strand). Cytogenetic location: 6q27.
Variant type: single nucleotide variant.
Coding change: c.1952A>T on transcript NM_005618.4 (MANE Select); coding-DNA position 1952, A replaced by T.
Protein change: p.Asp651Val; replaces aspartic acid 651 with valine.
Molecular consequence: missense variant.
Genome position (GRCh38, 1-based): chr6:170,283,327, T>A on the plus strand (A>T on the coding strand, the complement: DLL1 is on the minus strand). VCF-style: chr6-170283327-T-A. GRCh37 (hg19) VCF-style: chr6-170592415-T-A.
Other names: short protein forms D651V.
Identifiers: ClinVar variation 3364479 (VCV003364479.1).

ClinVar aggregate classification (germline): Uncertain significance (1 of 4 stars; one submission).

gnomAD v4.1: 1 of 1,612,932 alleles (0.000062%); highest among the groups gnomAD compares: African/African-American, 0.0013%; no homozygotes.

Submission:

GeneDx
Classification: Uncertain significance. Last evaluated: 2023-12-06. Review status: criteria provided, single submitter. Criteria: GeneDx Variant Classification Process June 2021. Collection method: clinical testing. Allele origin: germline. Affected: yes.
Comment: Not observed at significant frequency in large population cohorts (gnomAD); In silico analysis supports that this missense variant does not alter protein structure/function; Has not been previously published as pathogenic or benign to our knowledge